The following is an entry in ClinVar:

NM_000256.3(MYBPC3):c.1351+1G>A

Gene: MYBPC3 (myosin binding protein C3; minus strand). Cytogenetic location: 11p11.2.
Variant type: single nucleotide variant.
Coding change: c.1351+1G>A on transcript NM_000256.3 (MANE Select); the canonical splice donor site of the intron after coding-DNA position 1351, G replaced by A.
Molecular consequence: splice donor variant.
Genome position (GRCh38, 1-based): chr11:47,343,020, C>T on the plus strand (G>A on the coding strand, the complement: MYBPC3 is on the minus strand). VCF-style: chr11-47343020-C-T. GRCh37 (hg19) VCF-style: chr11-47364571-C-T.
Identifiers: ClinVar variation 164119 (VCV000164119.24), dbSNP rs727503204, ClinGen allele CA010136.

ClinVar aggregate classification (germline): Pathogenic. Review status: criteria provided, multiple submitters, no conflicts (2 of 4 stars). 6 submissions from 6 submitters: Pathogenic (4). 2 of the submissions do not count toward it. Last evaluated 2025-08-25.

Conditions:
Cardiovascular phenotype. Identifiers: MedGen CN230736.
Hypertrophic cardiomyopathy 4. Also called: Familial hypertrophic cardiomyopathy 4. Identifiers: MedGen C1861862, MONDO:0007268, OMIM 115197.
Cardiomyopathy (CMYO). Also called: Cardiomyopathies. Identifiers: Orphanet 167848, MedGen C0878544, MONDO:0004994, HP:0001638. Inheritance: Various modes of inheritance.
Hypertrophic cardiomyopathy. Also called: HYPERTROPHIC MYOCARDIOPATHY. Identifiers: Orphanet 217569, MedGen C0007194, MeSH D002312, MONDO:0005045, HP:0001639.

Allele frequency attached by ClinVar (database versions not stated): gnomAD exomes below 0.00001.
gnomAD v4.1: 2 of 1,613,238 alleles (0.00012%); highest among the groups gnomAD compares: Non-Finnish European, 0.000085%; no homozygotes.

Submissions (6):

Ambry Genetics
Classification: Pathogenic for Cardiovascular phenotype. Last evaluated: 2025-08-25. Review status: criteria provided, single submitter. Criteria: Ambry Variant Classification Scheme 2023. Collection method: clinical testing. Allele origin: germline.
Comment: The c.1351+1G>A intronic pathogenic mutation results from a G to A substitution one nucleotide after coding exon 15 of the MYBPC3 gene. This variant was reported in individual(s) with features consistent with MYBPC3-related cardiomyopathy and segregated with disease in at least one family (Ho CY et al. Circ Cardiovasc Genet, 2009 Aug;2:314-21; Waldm&uuml;ller S et al. Eur. J. Heart Fail., 2011 Nov;13:1185-92; Pronicka E et al. J Transl Med, 2016 06;14:174; Walsh R et al. Genet. Med., 2017 02;19:192-203; external communication; Ambry internal data). This variant is considered to be rare based on population cohorts in the Genome Aggregation Database (gnomAD). This nucleotide position is highly conserved in available vertebrate species. In silico splice site analysis predicts that this alteration will weaken the native splice donor site and may result in the creation or strengthening of a novel splice donor site. Alterations that disrupt the canonical splice site are expected to cause aberrant splicing, resulting in an abnormal protein or a transcript that is subject to nonsense-mediated mRNA decay. As such, this alteration is classified as a disease-causing mutation.

Labcorp Genetics (formerly Invitae), Labcorp
Classification: Pathogenic for Hypertrophic cardiomyopathy. Last evaluated: 2025-08-14. Review status: criteria provided, single submitter. Criteria: Invitae Variant Classification Sherloc (09022015). Collection method: clinical testing. Allele origin: germline.
Comment: This sequence change affects a donor splice site in intron 15 of the MYBPC3 gene. It is expected to disrupt RNA splicing. Variants that disrupt the donor or acceptor splice site typically lead to a loss of protein function (PMID: 16199547), and loss-of-function variants in MYBPC3 are known to be pathogenic (PMID: 19574547). This variant is not present in population databases (gnomAD no frequency). Disruption of this splice site has been observed in individuals with hypertrophic cardiomyopathy and dilated cardiomyopathy (PMID: 20031602, 21750094, 27532257, 31308319, 33673806; internal data). ClinVar contains an entry for this variant (Variation ID: 164119). Algorithms developed to predict the effect of sequence changes on RNA splicing suggest that this variant may disrupt the consensus splice site. For these reasons, this variant has been classified as Pathogenic.

CHEO Genetics Diagnostic Laboratory, Children's Hospital of Eastern Ontario
Classification: Pathogenic for Cardiomyopathy. Last evaluated: 2023-03-01. Review status: criteria provided, single submitter. Criteria: ACMG Guidelines, 2015. Collection method: clinical testing. Allele origin: germline. Study: Canadian Open Genetics Repository.

Laboratory for Molecular Medicine, Mass General Brigham Personalized Medicine
Classification: Pathogenic for Hypertrophic cardiomyopathy. Last evaluated: 2020-08-14. Review status: criteria provided, single submitter. Criteria: LMM Criteria. Collection method: clinical testing. Allele origin: germline. Inheritance: Autosomal dominant inheritance. Observed: 3 variant alleles.
Comment: The 1351+1G>A variant in MYBPC3 has been reported in at least 2 individuals with hypertrophic cardiomyopathy (HCM) and one individual with dilated cardiomyopathy and segregated with disease in 4 affected relatives with HCM from 2 families (Waldmuller 2001 PMID: 21750094, Zou 2006 PMID: 17081393, Ho 2009 PMID: 20031602 and LMM data). It has also been reported by other clinical laboratories in ClinVar (Variation ID: 164119) and was absent from large population studies. This variant occurs in the invariant region (+/- 1,2) of the splice consensus sequence and is predicted to cause altered splicing leading to an abnormal or absent protein. Loss of function of the MYBPC3 gene is an established disease mechanism in autosomal dominant HCM. In summary, this variant meets criteria to be classified as pathogenic for autosomal dominant HCM. ACMG/AMP criteria applied: PVS1, PM2, PP1, PS4_Supporting.

Clinical Genetics, Academic Medical Center
Classification: Pathogenic. Review status: no assertion criteria provided. Collection method: clinical testing. Allele origin: germline. Affected: yes. Study: VKGL Data-share Consensus. Not counted in ClinVar's aggregate classification.

Diagnostic Laboratory, Department of Genetics, University Medical Center Groningen
Classification: Pathogenic for Hypertrophic cardiomyopathy 4. Review status: no assertion criteria provided. Collection method: clinical testing. Allele origin: germline. Affected: yes. Study: VKGL Data-share Consensus. Not counted in ClinVar's aggregate classification.

Literature cited by the submitters: PubMed 20031602 (cited by 3 submitters); PubMed 21750094 (cited by 3 submitters); PubMed 27290639 (cited by Ambry Genetics); PubMed 27532257 (cited by Ambry Genetics and Labcorp Genetics (formerly Invitae), Labcorp); PubMed 16199547 (cited by Labcorp Genetics (formerly Invitae), Labcorp); PubMed 19574547 (cited by Labcorp Genetics (formerly Invitae), Labcorp); PubMed 31308319 (cited by Labcorp Genetics (formerly Invitae), Labcorp); PubMed 33673806 (cited by Labcorp Genetics (formerly Invitae), Labcorp); PubMed 17081393 (cited by Laboratory for Molecular Medicine, Mass General Brigham Personalized Medicine).